The following is an entry in ClinVar:

NM_001297595.2(SIN3B):c.589C>G (p.Gln197Glu)

Gene: SIN3B (SIN3 transcription regulator family member B; plus strand). Cytogenetic location: 19p13.11.
Variant type: single nucleotide variant.
Coding change: c.589C>G on transcript NM_001297595.2 (MANE Select); coding-DNA position 589, C replaced by G.
Protein change: p.Gln197Glu; replaces glutamine 197 with glutamic acid.
Molecular consequence: missense variant.
Genome position (GRCh38, 1-based): chr19:16,846,976, C>G. VCF-style: chr19-16846976-C-G. GRCh37 (hg19) VCF-style: chr19-16957787-C-G.
Other names: c.589C>G, p.Gln197Glu (NM_015260.4); short protein forms Q197E.
Identifiers: ClinVar variation 4070842 (VCV004070842.1).
Genomic context (GRCh38, chr19:16,846,976, plus strand): 5'-GGGCACAGCACTCCTTGACTAACGACTTATTTTCCCTTTCCTGAAAACTGGCAGAAGGAG[C>G]AGCTGAACACGAGGGGCCGGCCATTCCGAGGCATGTCTGAAGAGGAGGTGTTCACCGAGG-3'
Protein context (NP_001284524.1, residues 187-207): LEILHTYQKE[Gln197Glu]LNTRGRPFRG

ClinVar aggregate classification (germline): Uncertain significance (1 of 4 stars; one submission).

Submission:

GeneDx
Classification: Uncertain significance. Last evaluated: 2025-01-17. Review status: criteria provided, single submitter. Criteria: GeneDx Variant Classification Process June 2021. Collection method: clinical testing. Allele origin: germline. Affected: yes.
Comment: Not observed at significant frequency in large population cohorts (gnomAD); In silico analysis supports that this missense variant has a deleterious effect on protein structure/function; Has not been previously published as pathogenic or benign to our knowledge